The following is an entry in ClinVar:

NM_004472.3(FOXD1):c.789G>C (p.Pro263=)

Gene: FOXD1 (forkhead box D1; minus strand). Cytogenetic location: 5q13.2.
Variant type: single nucleotide variant.
Coding change: c.789G>C on transcript NM_004472.3 (MANE Select); coding-DNA position 789, G replaced by C.
Protein change: p.Pro263=; no amino-acid change (proline 263 retained).
Molecular consequence: synonymous variant.
Genome position (GRCh38, 1-based): chr5:73,447,574, C>G on the plus strand (G>C on the coding strand, the complement: FOXD1 is on the minus strand). VCF-style: chr5-73447574-C-G. GRCh37 (hg19) VCF-style: chr5-72743399-C-G.
Identifiers: ClinVar variation 3052761 (VCV003052761.2), dbSNP rs1486995723, ClinGen allele CA445096231.

ClinVar aggregate classification (germline): Likely benign (0 of 4 stars; one submission).

Conditions:
FOXD1-related disorder. Also called: FOXD1-related condition.

Submission:

PreventionGenetics, part of Exact Sciences
Classification: Likely benign for FOXD1-related condition. Last evaluated: 2022-12-12. Review status: no assertion criteria provided. Collection method: clinical testing. Allele origin: germline.
Comment: This variant is classified as likely benign based on ACMG/AMP sequence variant interpretation guidelines (Richards et al. 2015 PMID: 25741868, with internal and published modifications).